The following is an entry in ClinVar:

NM_001035.3(RYR2):c.11615T>C (p.Ile3872Thr)

Gene: RYR2 (ryanodine receptor 2; plus strand). Cytogenetic location: 1q43.
Variant type: single nucleotide variant.
Coding change: c.11615T>C on transcript NM_001035.3 (MANE Select); coding-DNA position 11615, T replaced by C.
Protein change: p.Ile3872Thr; replaces isoleucine 3872 with threonine.
Molecular consequence: missense variant.
Genome position (GRCh38, 1-based): chr1:237,772,069, T>C. VCF-style: chr1-237772069-T-C. GRCh37 (hg19) VCF-style: chr1-237935369-T-C.
Other names: short protein forms I3872T.
Identifiers: ClinVar variation 1409904 (VCV001409904.7), dbSNP rs2149314712, ClinGen allele CA345407192.
Genomic context (GRCh38, chr1:237,772,069, plus strand): 5'-TAGATTTTCAGAATTATCTGAGAACTCAGACTGGCAATAATACAACTGTCAACATAATTA[T>C]CTCCACTGTAGACTACCTACTGAGAGTTCAGGTATGTTGCTTTCCATATTAGTAACAAAT-3'
Protein context (NP_001026.2, residues 3862-3882): TGNNTTVNII[Ile3872Thr]STVDYLLRVQ

ClinVar aggregate classification (germline): Uncertain significance (1 of 4 stars; one submission).

Conditions:
Catecholaminergic polymorphic ventricular tachycardia 1. Also called: RYR2-Related Catecholaminergic Polymorphic Ventricular Tachycardia; VENTRICULAR TACHYCARDIA, STRESS-INDUCED POLYMORPHIC 1; VENTRICULAR TACHYCARDIA, CATECHOLAMINERGIC POLYMORPHIC, 1, WITH OR WITHOUT ATRIAL DYSFUNCTION AND/OR DILATED CARDIOMYOPATHY. Identifiers: Orphanet 3286, MedGen C1631597, MONDO:0011484, OMIM 604772.

Submission:

Labcorp Genetics (formerly Invitae), Labcorp
Classification: Uncertain significance for Catecholaminergic polymorphic ventricular tachycardia 1. Last evaluated: 2021-08-07. Review status: criteria provided, single submitter. Criteria: Invitae Variant Classification Sherloc (09022015). Collection method: clinical testing. Allele origin: germline.
Comment: In summary, the available evidence is currently insufficient to determine the role of this variant in disease. Therefore, it has been classified as a Variant of Uncertain Significance. Advanced modeling of protein sequence and biophysical properties (such as structural, functional, and spatial information, amino acid conservation, physicochemical variation, residue mobility, and thermodynamic stability) performed at Invitae indicates that this missense variant is expected to disrupt RYR2 protein function. This variant has not been reported in the literature in individuals affected with RYR2-related conditions. This variant is not present in population databases (ExAC no frequency). This sequence change replaces isoleucine with threonine at codon 3872 of the RYR2 protein (p.Ile3872Thr). The isoleucine residue is highly conserved and there is a moderate physicochemical difference between isoleucine and threonine.